The following is an entry in ClinVar:

NM_000059.4(BRCA2):c.8980_8983del (p.Ser2994fs)

Gene: BRCA2 (BRCA2 DNA repair associated; plus strand). Cytogenetic location: 13q13.1.
Variant type: Deletion.
Coding change: c.8980_8983del on transcript NM_000059.4 (MANE Select); coding-DNA positions 8980 to 8983, 4 bases deleted (TCAG; older notation c.8980_8983delTCAG).
Protein change: p.Ser2994fs; shifts the reading frame from serine 2994.
Molecular consequence: frameshift variant.
Genome position (GRCh38, 1-based): chr13:32,379,776-32,379,779, TCAG deleted. VCF-style (leftmost placement, unchanged base first): chr13-32379775-ATCAG-A. GRCh37 (hg19) VCF-style: chr13-32953912-ATCAG-A.
Other names: 9208del4; c.8980_8983delTCAG (NM_000059.3); short protein forms S2994fs.
Identifiers: ClinVar variation 52720 (VCV000052720.2), dbSNP rs80359737, ClinGen allele CA025913.

ClinVar aggregate classification (germline): Pathogenic. Review status: reviewed by expert panel (3 of 4 stars). 2 submissions from 2 submitters: Pathogenic (1). 1 of the submissions does not count toward it. Last evaluated 2016-09-08.

Conditions:
Breast-ovarian cancer, familial, susceptibility to, 2 (BROVCA2). Also called: BRCA2 Hereditary Breast and Ovarian Cancer. Identifiers: Orphanet 145, MedGen C2675520, MONDO:0012933, OMIM 612555. Disease mechanism: loss of function.

Submissions (2):

Evidence-based Network for the Interpretation of Germline Mutant Alleles (ENIGMA)
Classification: Pathogenic for Breast-ovarian cancer, familial, susceptibility to, 2. Last evaluated: 2016-09-08. Review status: reviewed by expert panel. Criteria: ENIGMA BRCA1/2 Classification Criteria (2015). Collection method: curation. Allele origin: germline.
Comment: Variant allele predicted to encode a truncated non-functional protein.

Breast Cancer Information Core (BIC) (BRCA2)
Classification: Pathogenic for Breast-ovarian cancer, familial 2. Review status: no assertion criteria provided. Collection method: clinical testing. Allele origin: unknown. Affected: yes. Observed: 1 variant allele. Not counted in ClinVar's aggregate classification.